The following is an entry in ClinVar:

NM_002715.4(PPP2CA):c.10_12del (p.Lys4del)

Genes: MIR3661 (microRNA 3661; plus strand), PPP2CA (protein phosphatase 2 catalytic subunit alpha; minus strand). Cytogenetic location: 5q31.1.
Variant type: Deletion.
Coding change: c.10_12del on transcript NM_002715.4 (MANE Select); coding-DNA positions 10 to 12, 3 bases deleted (AAG; older notation c.10_12delAAG).
Protein change: p.Lys4del; deletes lysine 4.
Molecular consequence: inframe deletion.
Genome position (GRCh38, 1-based): chr5:134,225,850-134,225,852, CTT deleted on the plus strand (AAG on the coding strand, the reverse complement: PPP2CA is on the minus strand); deleting any 3 consecutive bases within chr5:134,225,850-134,225,854 gives the same sequence; the c. name uses the placement nearest the transcript's 3' end. VCF-style (leftmost placement, unchanged base first): chr5-134225849-CCTT-C. GRCh37 (hg19) VCF-style: chr5-133561540-CCTT-C.
Other names: short protein forms K4del.
Identifiers: ClinVar variation 1451084 (VCV001451084.6), dbSNP rs2149390364, ClinGen allele CA2573139032.

ClinVar aggregate classification (germline): Uncertain significance (1 of 4 stars; one submission).

Submission:

Labcorp Genetics (formerly Invitae), Labcorp
Classification: Uncertain significance. Last evaluated: 2023-10-05. Review status: criteria provided, single submitter. Criteria: Invitae Variant Classification Sherloc (09022015). Collection method: clinical testing. Allele origin: germline.
Comment: This variant, c.10_12del, results in the deletion of 1 amino acid(s) of the PPP2CA protein (p.Lys4del), but otherwise preserves the integrity of the reading frame. This variant is not present in population databases (gnomAD no frequency). This variant has been observed in individual(s) with clinical features of PPP2CA-related conditions (Invitae). ClinVar contains an entry for this variant (Variation ID: 1451084). In summary, the available evidence is currently insufficient to determine the role of this variant in disease. Therefore, it has been classified as a Variant of Uncertain Significance.